The following is an entry in ClinVar:

ClinVar aggregate classification (germline): Conflicting classifications of pathogenicity. Review status: criteria provided, conflicting classifications (1 of 4 stars). 3 submissions from 3 submitters: Uncertain significance (2); Likely benign (1). Last evaluated 2025-10-27.

Conditions:
Cardiovascular phenotype. Identifiers: MedGen CN230736.
Cardiomyopathy (CMYO). Also called: Cardiomyopathies. Identifiers: Orphanet 167848, MedGen C0878544, MONDO:0004994, HP:0001638. Inheritance: Various modes of inheritance.
Catecholaminergic polymorphic ventricular tachycardia 1. Also called: VENTRICULAR TACHYCARDIA, STRESS-INDUCED POLYMORPHIC 1; VENTRICULAR TACHYCARDIA, CATECHOLAMINERGIC POLYMORPHIC, 1, WITH OR WITHOUT ATRIAL DYSFUNCTION AND/OR DILATED CARDIOMYOPATHY; RYR2-Related Catecholaminergic Polymorphic Ventricular Tachycardia. Identifiers: Orphanet 3286, MedGen C1631597, MONDO:0011484, OMIM 604772.

Allele frequency attached by ClinVar (database versions not stated): gnomAD exomes 0.00001.
gnomAD v4.1: 10 of 1,613,886 alleles (0.00062%); highest among the groups gnomAD compares: African/African-American, 0.0013%; no homozygotes.

Submissions (3):

Color Diagnostics, LLC DBA Color Health
Classification: Uncertain significance for Cardiomyopathy. Last evaluated: 2025-10-27. Review status: criteria provided, single submitter. Criteria: ACMG Guidelines, 2015. Collection method: clinical testing. Allele origin: germline.
Comment: This variant is located in the RYR2 protein. To our knowledge, functional studies have not been reported for this variant. This variant has not been reported in individuals affected with RYR2-related disorders in the literature. This variant has been identified in 10/1461636 chromosomes in the general population by the Genome Aggregation Database (gnomAD). The available evidence is insufficient to determine the role of this variant in disease conclusively. Therefore, this variant is classified as a Variant of Uncertain Significance.

Ambry Genetics
Classification: Uncertain significance for Cardiovascular phenotype. Last evaluated: 2024-01-16. Review status: criteria provided, single submitter. Criteria: Ambry Variant Classification Scheme 2023. Collection method: clinical testing. Allele origin: germline.
Comment: The c.798T>C variant (also known as p.A266A), located in coding exon 11 of the RYR2 gene, results from a T to C substitution at nucleotide position 798. This nucleotide substitution does not change the alanine at codon 266. This nucleotide position is not well conserved in available vertebrate species. In silico splice site analysis for this alteration is inconclusive. Since supporting evidence is limited at this time, the clinical significance of this alteration remains unclear.

Labcorp Genetics (formerly Invitae), Labcorp
Classification: Likely benign for Catecholaminergic polymorphic ventricular tachycardia 1. Last evaluated: 2023-09-27. Review status: criteria provided, single submitter. Criteria: Invitae Variant Classification Sherloc (09022015). Collection method: clinical testing. Allele origin: germline.

NM_001035.3(RYR2):c.798T>C (p.Ala266=)

Gene: RYR2 (ryanodine receptor 2; plus strand). Cytogenetic location: 1q43.
Variant type: single nucleotide variant.
Coding change: c.798T>C on transcript NM_001035.3 (MANE Select); coding-DNA position 798, T replaced by C.
Protein change: p.Ala266=; no amino-acid change (alanine 266 retained).
Molecular consequence: synonymous variant.
Genome position (GRCh38, 1-based): chr1:237,417,073, T>C. VCF-style: chr1-237417073-T-C. GRCh37 (hg19) VCF-style: chr1-237580373-T-C.
Other names: c.798T>C (NM_001035.2).
Identifiers: ClinVar variation 2756838 (VCV002756838.5), dbSNP rs1245793918, ClinGen allele CA423810358.